The following is an entry in ClinVar:

NM_000535.7(PMS2):c.2114A>T (p.Glu705Val)

Gene: PMS2 (PMS1 homolog 2, mismatch repair system component; minus strand). Cytogenetic location: 7p22.1.
Variant type: single nucleotide variant.
Coding change: c.2114A>T on transcript NM_000535.7 (MANE Select); coding-DNA position 2114, A replaced by T.
Protein change: p.Glu705Val; replaces glutamic acid 705 with valine.
Molecular consequence: missense variant. On other transcripts: non-coding transcript variant (1), intron variant (4).
Genome position (GRCh38, 1-based): chr7:5,982,884, T>A on the plus strand (A>T on the coding strand, the complement: PMS2 is on the minus strand). VCF-style: chr7-5982884-T-A. GRCh37 (hg19) VCF-style: chr7-6022515-T-A.
Other names: c.1709A>T, p.Glu570Val (NM_001322003.2, NM_001322004.2, NM_001322005.2 and 14 more transcripts); c.1958A>T, p.Glu653Val (NM_001322006.2, NM_001406870.1); c.1796A>T, p.Glu599Val (NM_001322007.2, NM_001322008.2, NM_001406876.1 and 1 more transcripts); c.1553A>T, p.Glu518Val (NM_001322010.2, NM_001406906.1, NM_001406907.1); c.1181A>T, p.Glu394Val (NM_001322011.2, NM_001322012.2); c.1541A>T, p.Glu514Val (NM_001322013.2, NM_001406909.1); c.2114A>T, p.Glu705Val (NM_001322014.2, NM_001406871.1); c.1805A>T, p.Glu602Val (NM_001322015.2, NM_001406875.1, NM_001406877.1 and 5 more transcripts); and 16 more; short protein forms E304V, E394V, E448V, E514V, E518V, E534V, E547V, E550V.
Identifiers: ClinVar variation 3893741 (VCV003893741.1).
Genomic context (GRCh38, chr7:5,982,884, plus strand): 5'-GCTATGAGCCTCTGCCCCTGGAGCACGGTGTGCTGCTGCAGCATCTCGAAGTTATACTTC[T>A]CGTCCGTGGCATGCTGGTCCACTATGAAGATATCCTCATTCAGTTTGGTTATTATAAATC-3'
Protein context (NP_000526.2, residues 695-715): IFIVDQHATD[Glu705Val]KYNFEMLQQH

ClinVar aggregate classification (germline): Uncertain significance (1 of 4 stars; one submission).

Conditions:
Hereditary cancer-predisposing syndrome. Also called: Neoplastic Syndromes, Hereditary; Tumor predisposition; Hereditary Cancer Syndrome; Hereditary neoplastic syndrome. Identifiers: Orphanet 140162, MedGen C0027672, MeSH D009386, MONDO:0015356.

Submission:

Color Diagnostics, LLC DBA Color Health
Classification: Uncertain significance for Hereditary cancer-predisposing syndrome. Last evaluated: 2024-04-10. Review status: criteria provided, single submitter. Criteria: ACMG Guidelines, 2015. Collection method: clinical testing. Allele origin: germline.
Comment: This missense variant replaces glutamic acid with valine at codon 705 of the PMS2 protein. Computational prediction suggests that this variant may have deleterious impact on protein structure and function. To our knowledge, functional studies have not been reported for this variant. This variant has not been reported in individuals affected with PMS2-related disorders in the literature. A different missense variant, p.Glu705Lys, has been reported as (likely) disease-causing in ClinVar (variation ID: 573081). This variant has not been identified in the general population by the Genome Aggregation Database (gnomAD). The available evidence is insufficient to determine the role of this variant in disease conclusively. Therefore, this variant is classified as a Variant of Uncertain Significance.